The following is an entry in ClinVar:

NM_001367624.2(ZNF469):c.10040C>T (p.Pro3347Leu)

Genes: ZNF469 (zinc finger protein 469; plus strand), LOC130059719 (ATAC-STARR-seq lymphoblastoid silent region 7848; plus strand). Cytogenetic location: 16q24.2.
Variant type: single nucleotide variant.
Coding change: c.10040C>T on transcript NM_001367624.2 (MANE Select); coding-DNA position 10040, C replaced by T.
Protein change: p.Pro3347Leu; replaces proline 3347 with leucine.
Molecular consequence: missense variant.
Genome position (GRCh38, 1-based): chr16:88,437,510, C>T. VCF-style: chr16-88437510-C-T. GRCh37 (hg19) VCF-style: chr16-88503918-C-T.
Other names: NM_001127464.1:c.9956C>T; short protein forms P3347L.
Identifiers: ClinVar variation 1947509 (VCV001947509.6), dbSNP rs1906678201, ClinGen allele CA397125505.

ClinVar aggregate classification (germline): Uncertain significance. Review status: criteria provided, multiple submitters, no conflicts (2 of 4 stars). 2 submissions from 2 submitters: Uncertain significance (2). Last evaluated 2026-08-22.

Conditions:
Cardiovascular phenotype. Identifiers: MedGen CN230736.

Submissions (2):

Ambry Genetics
Classification: Uncertain significance for Cardiovascular phenotype. Last evaluated: 2026-08-22. Review status: criteria provided, single submitter. Criteria: Ambry Variant Classification Scheme 2023. Collection method: clinical testing. Allele origin: germline.
Comment: The p.P3319L variant (also known as c.9956C>T), located in coding exon 2 of the ZNF469 gene, results from a C to T substitution at nucleotide position 9956. The proline at codon 3319 is replaced by leucine, an amino acid with similar properties. This amino acid position is conserved. In addition, this alteration is predicted to be tolerated by in silico analysis. Based on the available evidence, the clinical significance of this variant remains unclear.

Labcorp Genetics (formerly Invitae), Labcorp
Classification: Uncertain significance. Last evaluated: 2021-12-28. Review status: criteria provided, single submitter. Criteria: Invitae Variant Classification Sherloc (09022015). Collection method: clinical testing. Allele origin: germline.
Comment: This sequence change replaces proline, which is neutral and non-polar, with leucine, which is neutral and non-polar, at codon 3319 of the ZNF469 protein (p.Pro3319Leu). In summary, the available evidence is currently insufficient to determine the role of this variant in disease. Therefore, it has been classified as a Variant of Uncertain Significance. Algorithms developed to predict the effect of missense changes on protein structure and function are either unavailable or do not agree on the potential impact of this missense change (SIFT: "Deleterious"; PolyPhen-2: "Probably Damaging"; Align-GVGD: "Class C0"). This variant has not been reported in the literature in individuals affected with ZNF469-related conditions. This variant is not present in population databases (gnomAD no frequency).